The following is an entry in ClinVar:

NM_002907.4(RECQL):c.580A>G (p.Ile194Val)

Gene: RECQL (RecQ like helicase; minus strand). Cytogenetic location: 12p12.1.
Variant type: single nucleotide variant.
Coding change: c.580A>G on transcript NM_002907.4 (MANE Select); coding-DNA position 580, A replaced by G.
Protein change: p.Ile194Val; replaces isoleucine 194 with valine.
Molecular consequence: missense variant.
Genome position (GRCh38, 1-based): chr12:21,483,496, T>C on the plus strand (A>G on the coding strand, the complement: RECQL is on the minus strand). VCF-style: chr12-21483496-T-C. GRCh37 (hg19) VCF-style: chr12-21636430-T-C.
Other names: c.580A>G, p.Ile194Val (NM_032941.3); short protein forms I194V.
Identifiers: ClinVar variation 1749832 (VCV001749832.3), dbSNP rs2540375430, ClinGen allele CA384127431.

ClinVar aggregate classification (germline): Uncertain significance (1 of 4 stars; one submission).

Allele frequency attached by ClinVar (database versions not stated): gnomAD exomes below 0.00001.
gnomAD v4.1: 2 of 1,588,566 alleles (0.00013%); highest among the groups gnomAD compares: South Asian, 0.0023%; no homozygotes.

Submission:

Ambry Genetics
Classification: Uncertain significance. Last evaluated: 2024-04-16. Review status: criteria provided, single submitter. Criteria: Ambry Variant Classification Scheme 2023. Collection method: clinical testing. Allele origin: germline.
Comment: The p.I194V variant (also known as c.580A>G), located in coding exon 5 of the RECQL gene, results from an A to G substitution at nucleotide position 580. The isoleucine at codon 194 is replaced by valine, an amino acid with highly similar properties. This amino acid position is conserved. In addition, this alteration is predicted to be tolerated by in silico analysis. Since supporting evidence is limited at this time, the clinical significance of this alteration remains unclear.